The following is an entry in ClinVar:

NM_020699.4(GATAD2B):c.1753A>G (p.Ile585Val)

Gene: GATAD2B (GATA zinc finger domain containing 2B; minus strand). Cytogenetic location: 1q21.3.
Variant type: single nucleotide variant.
Coding change: c.1753A>G on transcript NM_020699.4 (MANE Select); coding-DNA position 1753, A replaced by G.
Protein change: p.Ile585Val; replaces isoleucine 585 with valine.
Molecular consequence: missense variant.
Genome position (GRCh38, 1-based): chr1:153,810,206, T>C on the plus strand (A>G on the coding strand, the complement: GATAD2B is on the minus strand). VCF-style: chr1-153810206-T-C. GRCh37 (hg19) VCF-style: chr1-153782682-T-C.
Other names: short protein forms I585V.
Identifiers: ClinVar variation 211067 (VCV000211067.34), dbSNP rs372276373, ClinGen allele CA206155.

ClinVar aggregate classification (germline): Conflicting classifications of pathogenicity. Review status: criteria provided, conflicting classifications (1 of 4 stars). 5 submissions from 5 submitters: Uncertain significance (2); Likely benign (3). Last evaluated 2025-10-24.

Conditions:
Severe intellectual disability-poor language-strabismus-grimacing face-long fingers syndrome (GAND). Also called: GAND SYNDROME. Identifiers: Orphanet 363686, MedGen C3554448, MONDO:0014034, OMIM 615074.
Inborn genetic diseases. Identifiers: MedGen C0950123, MeSH D030342.

Allele frequency attached by ClinVar (database versions not stated): gnomAD 0.00001 and 0.00002; ExAC 0.00003; gnomAD exomes 0.00003 and 0.00008; TOPMed 0.00005; ESP Exome Variant Server 0.00008.
gnomAD v4.1: 121 of 1,612,452 alleles (0.0075%); highest among the groups gnomAD compares: Non-Finnish European, 0.0097%; no homozygotes.

Submissions (5):

Labcorp Genetics (formerly Invitae), Labcorp
Classification: Uncertain significance. Last evaluated: 2025-10-24. Review status: criteria provided, single submitter. Criteria: Invitae Variant Classification Sherloc (09022015). Collection method: clinical testing. Allele origin: germline.
Comment: This sequence change replaces isoleucine, which is neutral and non-polar, with valine, which is neutral and non-polar, at codon 585 of the GATAD2B protein (p.Ile585Val). This variant is present in population databases (rs372276373, gnomAD 0.007%). This variant has not been reported in the literature in individuals affected with GATAD2B-related conditions. ClinVar contains an entry for this variant (Variation ID: 211067). Invitae Evidence Modeling of protein sequence and biophysical properties (such as structural, functional, and spatial information, amino acid conservation, physicochemical variation, residue mobility, and thermodynamic stability) indicates that this missense variant is not expected to disrupt GATAD2B protein function with a negative predictive value of 80%. Algorithms developed to predict the effect of sequence changes on RNA splicing suggest that this variant may create or strengthen a splice site. In summary, the available evidence is currently insufficient to determine the role of this variant in disease. Therefore, it has been classified as a Variant of Uncertain Significance.

CeGaT Center for Human Genetics Tuebingen
Classification: Likely benign. Last evaluated: 2023-12-01. Review status: criteria provided, single submitter. Criteria: CeGaT Center For Human Genetics Tuebingen Variant Classification Criteria Version 2. Collection method: clinical testing. Allele origin: germline. Affected: yes. Observed: 1 variant allele.
Comment: GATAD2B: BS2

Ambry Genetics
Classification: Likely benign for Inborn genetic diseases. Last evaluated: 2022-12-06. Review status: criteria provided, single submitter. Criteria: Ambry Variant Classification Scheme 2023. Collection method: clinical testing. Allele origin: germline.

Baylor Genetics
Classification: Uncertain significance for Severe intellectual disability-poor language-strabismus-grimacing face-long fingers syndrome. Last evaluated: 2018-06-13. Review status: criteria provided, single submitter. Criteria: ACMG Guidelines, 2015. Collection method: clinical testing. Allele origin: paternal. Affected: yes.
Comment: This variant was determined to be of uncertain significance according to ACMG Guidelines, 2015 [PMID:25741868].

Genetic Services Laboratory, University of Chicago
Classification: Likely benign. Last evaluated: 2014-12-02. Review status: criteria provided, single submitter. Criteria: ACMG Guidelines, 2015. Collection method: clinical testing. Allele origin: germline.